The following continues an entry in ClinVar:

NM_000179.3(MSH6):c.3284G>A (p.Arg1095His)

Gene: MSH6. ClinVar aggregate classification (germline): Conflicting classifications of pathogenicity. Uncertain significance (11); Likely benign (4).

Submissions 12 to 16 of 16:

Quest Diagnostics Nichols Institute San Juan Capistrano
Classification: Uncertain significance. Last evaluated: 2024-05-03. Review status: criteria provided, single submitter. Criteria: Quest Diagnostics criteria. Collection method: clinical testing. Allele origin: unknown.
Comment: The MSH6 c.3284G>A (p.Arg1095His) variant has been reported in the published literature in individuals with Lynch Syndrome (PMID: 25980754 (2015)), colorectal cancer (PMID: 27300552 (2016)), breast cancer (PMIDs: 25503501 (2015), 33471991 (2021) see also LOVD), and reportedly healthy individuals (PMID: 33471991 (2021) see also LOVD). Functional studies show that this variant is not damaging to protein function (PMIDs: 12522549 (2003), 21120944 (2011), 22581703 (2012), 24040339 (2013)). The frequency of this variant in the general population, 0.000088 (10/113738 chromosomes (Genome Aggregation Database)), is uninformative in the assessment of its pathogenicity. Analysis of this variant using bioinformatics tools for the prediction of the effect of amino acid changes on protein structure and function yielded conflicting predictions that this variant is benign or damaging. Based on the available information, we are unable to determine the clinical significance of this variant.

Women's Health and Genetics/Laboratory Corporation of America, LabCorp
Classification: Uncertain significance. Last evaluated: 2023-10-30. Review status: criteria provided, single submitter. Criteria: LabCorp Variant Classification Summary - May 2015. Collection method: clinical testing. Allele origin: germline.
Comment: Variant summary: MSH6 c.3284G>A (p.Arg1095His) results in a non-conservative amino acid change located in the DNA mismatch repair protein MutS, core (IPR007696) of the encoded protein sequence. Four of five in-silico tools predict a damaging effect of the variant on protein function. The variant allele was found at a frequency of 4.8e-05 in 251448 control chromosomes (gnomAD). This frequency is not significantly higher than estimated for a pathogenic variant in MSH6 causing Hereditary Nonpolyposis Colorectal Cancer (4.8e-05 vs 0.00014), allowing no conclusion about variant significance. c.3284G>A has been reported in the literature as a VUS in settings of multigene panel testing among individuals with colorectal cancer (e.g. Kariola_2013, Maxwell_2015, Wei_2016, Yurgelun_2015). These reports do not provide unequivocal conclusions about association of the variant with Hereditary Nonpolyposis Colorectal Cancer/Lynch Syndrome. At least one co-occurrence with a pathogenic variant has been observed at our laboratory (BRCA2 c.4284dupT, p.Gln1429fs), providing supporting evidence for a benign role. Multiple publications report experimental evidence evaluating an impact on protein function and showed no damaging effect of this variant on mismatch repair (MMR) activity (e.g. Kantelinen_2012, Kariola_2013, Wielders_2013). Eight submitters have cited clinical-significance assessments for this variant to ClinVar after 2014. Five submitters classified the variant as uncertain significance and three classified it as likely benign. Based on the evidence outlined above, the variant was classified as VUS-possibly benign.

Sema4
Classification: Uncertain significance for Hereditary cancer-predisposing syndrome. Last evaluated: 2021-12-13. Review status: criteria provided, single submitter. Criteria: Sema4 Curation Guidelines. Collection method: curation. Allele origin: germline.
Comment: The MSH6 c.3284G>A (p.R1095H) variant has been reported in individuals with colorectal cancer, a history of Lynch Syndrome-associated cancer and/or colorectal polyps and breast cancer (PMID: 28944238, 12522549, 25980754, 25503501). This variant was observed in 10/113738 chromosomes of the Non-Finnish European subpopulation in the large and broad cohorts of the Genome Aggregation Database (PMID: 32461654). The variant has been reported in ClinVar (Variation ID 89368). In silico tools suggest the impact of the variant on protein function is deleterious, however, functional studies demonstrated the normal function of the protein (PMID: 12522549, 22581703, 24040339). The evidence is insufficient to meet ACMG/AMP criteria for classifying the variant as benign or pathogenic. Thus, the clinical significance of this variant is currently uncertain.

GeneDx
Classification: Likely benign. Last evaluated: 2021-04-07. Review status: criteria provided, single submitter. Criteria: GeneDx Variant Classification Process June 2021. Collection method: clinical testing. Allele origin: germline. Affected: yes.
Comment: In silico analysis supports that this missense variant has a deleterious effect on protein structure/function; This variant is associated with the following publications: (PMID: 26333163, 23621914, 21120944, 17594722, 15354210, 22581703, 24040339, 12522549, 25980754, 25503501)

Counsyl
Classification: Uncertain significance for Lynch syndrome 5. Last evaluated: 2016-11-02. Review status: no assertion criteria provided. Collection method: clinical testing. Allele origin: unknown. Not counted in ClinVar's aggregate classification.

Literature cited by the submitters: PubMed 12522549 (cited by 7 submitters); PubMed 17594722 (cited by 4 submitters); PubMed 22581703 (cited by 7 submitters); PubMed 24040339 (cited by 7 submitters); PubMed 25980754 (cited by 6 submitters); PubMed 28944238 (cited by 4 submitters); PubMed 27363726 (cited by Myriad Genetics, Inc.); PubMed 15354210 (cited by Ambry Genetics and Quest Diagnostics Nichols Institute San Juan Capistrano); PubMed 17531815 (cited by Ambry Genetics); PubMed 21120944 (cited by 4 submitters); PubMed 22290698 (cited by 3 submitters); PubMed 22788692 (cited by Ambry Genetics); PubMed 26333163 (cited by 3 submitters); PubMed 28002797 (cited by Ambry Genetics and Quest Diagnostics Nichols Institute San Juan Capistrano); PubMed 25503501 (cited by 5 submitters); PubMed 27300552 (cited by Quest Diagnostics Nichols Institute San Juan Capistrano and Women's Health and Genetics/Laboratory Corporation of America, LabCorp); PubMed 23621914 (cited by 3 submitters); PubMed 33471991 (cited by Quest Diagnostics Nichols Institute San Juan Capistrano).